The following is an entry in ClinVar:

NM_198489.3(CENATAC):c.685-32_685-29del

Gene: CENATAC (centrosomal AT-AC splicing factor; plus strand). Cytogenetic location: 11q23.3.
Variant type: Deletion.
Coding change: c.685-32_685-29del on transcript NM_198489.3 (MANE Select); 32 bases into the intron before coding-DNA position 685 through 29 bases into the intron before coding-DNA position 685, 4 bases deleted (ACTA; older notation c.685-32_685-29delACTA).
Molecular consequence: intron variant.
Genome position (GRCh38, 1-based): chr11:119,013,200-119,013,203, ACTA deleted; deleting any 4 consecutive bases within chr11:119,013,198-119,013,203 gives the same sequence; the c. name uses the placement nearest the transcript's 3' end. VCF-style (leftmost placement, unchanged base first): chr11-119013197-TTAAC-T. GRCh37 (hg19) VCF-style: chr11-118883907-TTAAC-T.
Identifiers: ClinVar variation 4072277 (VCV004072277.1).

ClinVar aggregate classification (germline): Uncertain significance (1 of 4 stars; one submission).

Conditions:
Mosaic variegated aneuploidy syndrome 4 (MVA4). Identifiers: MedGen C5774267, MONDO:0859329, OMIM 620153.

Submission:

3billion
Classification: Uncertain significance for Mosaic variegated aneuploidy syndrome 4. Last evaluated: 2024-06-28. Review status: criteria provided, single submitter. Criteria: ACMG Guidelines, 2015. Collection method: clinical testing. Allele origin: germline. Affected: yes.
Comment: The variant is observed at an extremely low frequency in the gnomAD v4.0.0 dataset (total allele frequency: 0.006%). Predicted Consequence/Location: Intron variant In silico tools predict the variant to alter splicing and produce an abnormal transcript [SpliceAI: 0.59 (>=0.2, moderate evidence for spliceogenicity)]. Therefore, this variant is classified as VUS according to the recommendation of ACMG/AMP guideline.